The following is an entry in ClinVar:

NM_004360.5(CDH1):c.961A>C (p.Arg321=)

Gene: CDH1 (cadherin 1; plus strand). Cytogenetic location: 16q22.1.
Variant type: single nucleotide variant.
Coding change: c.961A>C on transcript NM_004360.5 (MANE Select); coding-DNA position 961, A replaced by C.
Protein change: p.Arg321=; no amino-acid change (arginine 321 retained).
Molecular consequence: synonymous variant. On other transcripts: 5 prime UTR variant (2).
Genome position (GRCh38, 1-based): chr16:68,811,812, A>C. VCF-style: chr16-68811812-A-C. GRCh37 (hg19) VCF-style: chr16-68845715-A-C.
Other names: c.961A>C, p.Arg321= (NM_001317184.2); c.-655A>C (NM_001317185.2); c.-859A>C (NM_001317186.2).
Identifiers: ClinVar variation 1767587 (VCV001767587.3), dbSNP rs1555515649, ClinGen allele CA496152940.

ClinVar aggregate classification (germline): Benign/Likely benign. Review status: criteria provided, multiple submitters, no conflicts (2 of 4 stars). 2 submissions from 2 submitters: Benign (1); Likely benign (1). Last evaluated 2024-09-17.

Conditions:
Hereditary cancer-predisposing syndrome. Also called: Tumor predisposition; Neoplastic Syndromes, Hereditary; Hereditary Cancer Syndrome; Hereditary neoplastic syndrome. Identifiers: Orphanet 140162, MedGen C0027672, MeSH D009386, MONDO:0015356.
Hereditary diffuse gastric adenocarcinoma (HDGC). Also called: DIFFUSE GASTRIC AND LOBULAR BREAST CANCER SYNDROME. Identifiers: Orphanet 26106, MedGen C1708349, MONDO:0007648, OMIM 137215.

Submissions (2):

Myriad Genetics, Inc.
Classification: Benign for Hereditary diffuse gastric adenocarcinoma. Last evaluated: 2024-09-17. Review status: criteria provided, single submitter. Criteria: Myriad Autosomal Dominant, Autosomal Recessive and X-Linked Classification Criteria (2023). Collection method: clinical testing. Allele origin: unknown.
Comment: This variant is considered benign. This variant is a silent/synonymous amino acid change and it is not expected to impact splicing.

Ambry Genetics
Classification: Likely benign for Hereditary cancer-predisposing syndrome. Last evaluated: 2022-04-25. Review status: criteria provided, single submitter. Criteria: Ambry Variant Classification Scheme 2023. Collection method: clinical testing. Allele origin: germline.